The following is an entry in ClinVar:

ClinVar aggregate classification (germline): Uncertain significance (1 of 4 stars; one submission).

Conditions:
Hereditary cancer-predisposing syndrome. Also called: Neoplastic Syndromes, Hereditary; Tumor predisposition; Hereditary Cancer Syndrome; Hereditary neoplastic syndrome. Identifiers: Orphanet 140162, MedGen C0027672, MeSH D009386, MONDO:0015356.
Cardiovascular phenotype. Identifiers: MedGen CN230736.

Submission:

Ambry Genetics
Classification: Uncertain significance for Cardiovascular phenotype; Hereditary cancer-predisposing syndrome. Last evaluated: 2022-04-22. Review status: criteria provided, single submitter. Criteria: Ambry Variant Classification Scheme 2023. Collection method: clinical testing. Allele origin: germline.
Comment: The p.L2421I variant (also known as c.7261T>A), located in coding exon 49 of the NF1 gene, results from a T to A substitution at nucleotide position 7261. The leucine at codon 2421 is replaced by isoleucine, an amino acid with highly similar properties. This amino acid position is conserved. In addition, this alteration is predicted to be tolerated by in silico analysis. Since supporting evidence is limited at this time, the clinical significance of this alteration remains unclear.

NM_001042492.3(NF1):c.7324T>A (p.Leu2442Ile)

Gene: NF1 (neurofibromin 1; plus strand). Cytogenetic location: 17q11.2.
Variant type: single nucleotide variant.
Coding change: c.7324T>A on transcript NM_001042492.3 (MANE Select); coding-DNA position 7324, T replaced by A.
Protein change: p.Leu2442Ile; replaces leucine 2442 with isoleucine.
Molecular consequence: missense variant.
Genome position (GRCh38, 1-based): chr17:31,350,185, T>A. VCF-style: chr17-31350185-T-A. GRCh37 (hg19) VCF-style: chr17-29677203-T-A.
Other names: c.7261T>A, p.Leu2421Ile (NM_000267.4); short protein forms L2442I, L2421I.
Identifiers: ClinVar variation 1757967 (VCV001757967.2), dbSNP rs2508805041, ClinGen allele CA399016947.